The following is an entry in ClinVar:

NM_001162501.2(TNRC6B):c.2761C>T (p.Arg921Ter)

Gene: TNRC6B (trinucleotide repeat containing adaptor 6B; plus strand). Cytogenetic location: 22q13.1.
Variant type: single nucleotide variant.
Coding change: c.2761C>T on transcript NM_001162501.2 (MANE Select); coding-DNA position 2761, C replaced by T.
Protein change: p.Arg921Ter; replaces arginine 921 with a stop codon.
Molecular consequence: nonsense. On other transcripts: intron variant (1).
Genome position (GRCh38, 1-based): chr22:40,266,991, C>T. VCF-style: chr22-40266991-C-T. GRCh37 (hg19) VCF-style: chr22-40662995-C-T.
Other names: c.2761C>T, p.Arg921Ter (NM_015088.3); c.566-3131C>T (NM_001024843.2); short protein forms R921*.
Identifiers: ClinVar variation 3338309 (VCV003338309.11).

ClinVar aggregate classification (germline): Pathogenic/Likely pathogenic. Review status: criteria provided, multiple submitters, no conflicts (2 of 4 stars). 2 submissions from 2 submitters: Pathogenic (1); Likely pathogenic (1). Last evaluated 2025-07-01.

Conditions:
Global developmental delay with speech and behavioral abnormalities. Identifiers: MedGen C5543226, MONDO:0030995, OMIM 619243.

Submissions (2):

CeGaT Center for Human Genetics Tuebingen
Classification: Pathogenic. Last evaluated: 2025-07-01. Review status: criteria provided, single submitter. Criteria: CeGaT Center For Human Genetics Tuebingen Variant Classification Criteria Version 2. Collection method: clinical testing. Allele origin: germline. Affected: yes. Observed: 2 variant alleles.
Comment: TNRC6B: PVS1, PM2

Department of Human Genetics, Hannover Medical School
Classification: Likely pathogenic for Global developmental delay with speech and behavioral abnormalities. Last evaluated: 2024-09-02. Review status: criteria provided, single submitter. Criteria: ACMG Guidelines, 2015. Collection method: clinical testing. Allele origin: germline. Inheritance: Autosomal dominant inheritance. Affected: yes.